The following is an entry in ClinVar:

ClinVar aggregate classification (germline): Uncertain significance. Review status: criteria provided, multiple submitters, no conflicts (2 of 4 stars). 4 submissions from 4 submitters: Uncertain significance (4). Last evaluated 2025-11-11.

Conditions:
Dilated cardiomyopathy 1G (CMD1G). Identifiers: Orphanet 154, MedGen C1858763, MONDO:0011400, OMIM 604145.
Autosomal recessive limb-girdle muscular dystrophy type 2J (LGMDR10). Also called: MUSCULAR DYSTROPHY, LIMB-GIRDLE, AUTOSOMAL RECESSIVE 10; Limb-girdle muscular dystrophy, type 2J. Identifiers: Orphanet 140922, MedGen C1837342, MONDO:0012127, OMIM 608807.
TTN-related disorder. Also called: TTN-related condition; TTN-related disease; TTN-related disorders.

Allele frequency attached by ClinVar (database versions not stated): gnomAD exomes below 0.00001 and 0.00001; ExAC 0.00001; TOPMed 0.00001.
gnomAD v4.1: 12 of 1,613,826 alleles (0.00074%); highest among the groups gnomAD compares: African/African-American, 0.0053%; no homozygotes.

Submissions (4):

PreventionGenetics, part of Exact Sciences
Classification: Uncertain significance for TTN-related condition. Last evaluated: 2025-11-11. Review status: criteria provided, single submitter. Criteria: ACMG Guidelines, 2015. Collection method: clinical testing. Allele origin: germline.
Comment: The TTN c.89G>A variant is predicted to result in the amino acid substitution p.Ser30Asn. To our knowledge, this variant has not been reported in the literature. This variant is reported in 0.00088% of alleles in individuals of European (Non-Finnish) descent in gnomAD. At this time, the clinical significance of this variant is uncertain due to the absence of conclusive functional and genetic evidence.

Blueprint Genetics
Classification: Uncertain significance. Last evaluated: 2023-05-24. Review status: criteria provided, single submitter. Criteria: ACMG Guidelines, 2015. Collection method: clinical testing. Allele origin: germline.

Revvity Omics, Revvity
Classification: Uncertain significance. Last evaluated: 2019-07-08. Review status: criteria provided, single submitter. Criteria: ACMG Guidelines, 2015. Collection method: clinical testing. Allele origin: germline.

Labcorp Genetics (formerly Invitae), Labcorp
Classification: Uncertain significance for Dilated cardiomyopathy 1G; Autosomal recessive limb-girdle muscular dystrophy type 2J. Last evaluated: 2018-01-03. Review status: criteria provided, single submitter. Criteria: Invitae Variant Classification Sherloc (09022015). Collection method: clinical testing. Allele origin: germline.

NM_001267550.2(TTN):c.89G>A (p.Ser30Asn)

Gene: TTN (titin; minus strand). Cytogenetic location: 2q31.2.
Variant type: single nucleotide variant.
Coding change: c.89G>A on transcript NM_001267550.2 (MANE Select); coding-DNA position 89, G replaced by A.
Protein change: p.Ser30Asn; replaces serine 30 with asparagine.
Molecular consequence: missense variant.
Genome position (GRCh38, 1-based): chr2:178,804,554, C>T on the plus strand (G>A on the coding strand, the complement: TTN is on the minus strand). VCF-style: chr2-178804554-C-T. GRCh37 (hg19) VCF-style: chr2-179669281-C-T.
Other names: c.89G>A, p.Ser30Asn (NM_001256850.1, NM_003319.4, NM_133378.4 and 3 more transcripts); short protein forms S30N.
Identifiers: ClinVar variation 535180 (VCV000535180.8), dbSNP rs767153909, ClinGen allele CA2006433.